The following is an entry in ClinVar:

ClinVar aggregate classification (germline): Benign. Review status: criteria provided, multiple submitters, no conflicts (2 of 4 stars). 5 submissions from 5 submitters: Benign (4). 1 of the submissions does not count toward it. Last evaluated 2024-11-28.

Conditions:
RPS15-related disorder. Also called: RPS15-related condition.

Allele frequency attached by ClinVar (database versions not stated): ExAC 0.17203.

Submissions (5):

Blueprint Genetics
Classification: Benign. Last evaluated: 2024-11-28. Review status: criteria provided, single submitter. Criteria: ACMG Guidelines, 2015. Collection method: clinical testing. Allele origin: germline.

GeneDx
Classification: Benign. Last evaluated: 2021-05-04. Review status: criteria provided, single submitter. Criteria: GeneDx Variant Classification Process June 2021. Collection method: clinical testing. Allele origin: germline. Affected: yes.

ARUP Laboratories, Molecular Genetics and Genomics, ARUP Laboratories
Classification: Benign. Last evaluated: 2016-08-08. Review status: criteria provided, single submitter. Criteria: ARUP Molecular Germline Variant Investigation Process. Collection method: clinical testing. Allele origin: germline.

Breakthrough Genomics
Classification: Benign. Review status: criteria provided, single submitter. Criteria: ACMG Guidelines, 2015. Collection method: not provided. Allele origin: germline. Inheritance: Unknown mechanism. Affected: yes.

PreventionGenetics, part of Exact Sciences
Classification: Likely benign for RPS15-related condition. Last evaluated: 2020-10-26. Review status: no assertion criteria provided. Collection method: clinical testing. Allele origin: germline. Not counted in ClinVar's aggregate classification.
Comment: This variant is classified as likely benign based on ACMG/AMP sequence variant interpretation guidelines (Richards et al. 2015 PMID: 25741868, with internal and published modifications).

NM_001018.5(RPS15):c.140G>C (p.Arg47Pro)

Gene: RPS15 (ribosomal protein S15; plus strand). Cytogenetic location: 19p13.3.
Variant type: single nucleotide variant.
Coding change: c.140G>C on transcript NM_001018.5 (MANE Select); coding-DNA position 140, G replaced by C.
Protein change: p.Arg47Pro; replaces arginine 47 with proline.
Molecular consequence: missense variant.
Genome position (GRCh38, 1-based): chr19:1,440,069, G>C. VCF-style: chr19-1440069-G-C. GRCh37 (hg19) VCF-style: chr19-1440068-G-C.
Other names: c.161G>C (NM_001308226.1); c.161G>C, p.Arg54Pro (NM_001308226.2); short protein forms R47P, R54P.
Identifiers: ClinVar variation 440242 (VCV000440242.15), dbSNP rs201657403, ClinGen allele CA9044458.
Genomic context (GRCh38, chr19:1,440,069, plus strand): 5'-TCCTCCCCAGCGAGCAGCTGATGCAGCTGTACAGTGCGCGCCAGCGGCGGCGGCTGAACC[G>C]GGGCCTGCGGCGGAAGCAGCACTCCCTGCTGAAGCGCCTGCGCAAGGCCAAGAAGGAGGC-3'
Protein context (NP_001009.1, residues 37-57): YSARQRRRLN[Arg47Pro]GLRRKQHSLL